The following is an entry in ClinVar:

NM_005591.4(MRE11):c.821T>A (p.Leu274His)

Gene: MRE11 (MRE11 double strand break repair nuclease; minus strand). Cytogenetic location: 11q21.
Variant type: single nucleotide variant.
Coding change: c.821T>A on transcript NM_005591.4 (MANE Select); coding-DNA position 821, T replaced by A.
Protein change: p.Leu274His; replaces leucine 274 with histidine.
Molecular consequence: missense variant.
Genome position (GRCh38, 1-based): chr11:94,471,598, A>T on the plus strand (T>A on the coding strand, the complement: MRE11 is on the minus strand). VCF-style: chr11-94471598-A-T. GRCh37 (hg19) VCF-style: chr11-94204764-A-T.
Other names: c.821T>A, p.Leu274His (NM_001330347.2, NM_005590.4); short protein forms L274H.
Identifiers: ClinVar variation 3224868 (VCV003224868.1), dbSNP rs1946713407, ClinGen allele CA382375513.
Genomic context (GRCh38, chr11:94,471,598, plus strand): 5'-TTTCTTAAAAATTGGCTCAAAATATATAACACTCACTTCTTTACAGCTTCTCCTGGGGAA[A>T]GAGAAGTAACCACTGAGCTTCCAGGTTGTGAGATATAAAACAGCTGTTGTTCATTTTTGG-3'
Protein context (NP_005582.1, residues 264-284): SQPGSSVVTS[Leu274His]SPGEAVKKHV

ClinVar aggregate classification (germline): Uncertain significance (1 of 4 stars; one submission).

Conditions:
Hereditary cancer-predisposing syndrome. Also called: Neoplastic Syndromes, Hereditary; Tumor predisposition; Hereditary neoplastic syndrome; Hereditary Cancer Syndrome. Identifiers: Orphanet 140162, MedGen C0027672, MeSH D009386, MONDO:0015356.

Submission:

Ambry Genetics
Classification: Uncertain significance for Hereditary cancer-predisposing syndrome. Last evaluated: 2024-01-05. Review status: criteria provided, single submitter. Criteria: Ambry Variant Classification Scheme 2023. Collection method: clinical testing. Allele origin: germline.
Comment: The p.L274H variant (also known as c.821T>A), located in coding exon 7 of the MRE11A gene, results from a T to A substitution at nucleotide position 821. The leucine at codon 274 is replaced by histidine, an amino acid with similar properties. This amino acid position is conserved. In addition, this alteration is predicted to be deleterious by in silico analysis. Since supporting evidence is limited at this time, the clinical significance of this alteration remains unclear.